The following is an entry in ClinVar:

ClinVar aggregate classification (germline): Uncertain significance. Review status: criteria provided, multiple submitters, no conflicts (2 of 4 stars). 4 submissions from 4 submitters: Uncertain significance (3). 1 of the submissions does not count toward it. Last evaluated 2026-09-18.

Conditions:
Retinal dystrophy. Also called: Inherited retinal dystrophy. Identifiers: Orphanet 71862, MedGen C0854723, MeSH D058499, MONDO:0019118, HP:0000556.
Inborn genetic diseases. Identifiers: MedGen C0950123, MeSH D030342.
RP1-related disorder. Also called: RP1-related condition.

Allele frequency attached by ClinVar (database versions not stated): gnomAD exomes 0.00001 and 0.00002; ExAC 0.00002.
gnomAD v4.1: 29 of 1,613,794 alleles (0.0018%); highest among the groups gnomAD compares: Non-Finnish European, 0.0022%; no homozygotes.

Submissions (4):

PreventionGenetics, part of Exact Sciences
Classification: Uncertain significance for RP1-related condition. Last evaluated: 2026-09-18. Review status: criteria provided, single submitter. Criteria: ACMG Guidelines, 2015. Collection method: clinical testing. Allele origin: germline.
Comment: The RP1 c.809G>C variant is predicted to result in the amino acid substitution p.Ser270Thr. To our knowledge, this variant has not been reported in the literature. This variant is reported in 0.0062% of alleles in individuals of African descent in gnomAD. At this time, the clinical significance of this variant is uncertain due to the absence of conclusive functional and genetic evidence.

Labcorp Genetics (formerly Invitae), Labcorp
Classification: Uncertain significance. Last evaluated: 2025-12-15. Review status: criteria provided, single submitter. Criteria: Invitae Variant Classification Sherloc (09022015). Collection method: clinical testing. Allele origin: germline.
Comment: This sequence change replaces serine, which is neutral and polar, with threonine, which is neutral and polar, at codon 270 of the RP1 protein (p.Ser270Thr). This variant is present in population databases (rs746650875, gnomAD 0.007%). This variant has not been reported in the literature in individuals affected with RP1-related conditions. ClinVar contains an entry for this variant (Variation ID: 1480193). An algorithm developed to predict the effect of missense changes on protein structure and function (PolyPhen-2) suggests that this variant is likely to be tolerated. In summary, the available evidence is currently insufficient to determine the role of this variant in disease. Therefore, it has been classified as a Variant of Uncertain Significance.

Ambry Genetics
Classification: Uncertain significance for Inborn genetic diseases. Last evaluated: 2023-03-24. Review status: criteria provided, single submitter. Criteria: Ambry Variant Classification Scheme 2023. Collection method: clinical testing. Allele origin: germline.

Institute of Human Genetics, Univ. Regensburg, Univ. Regensburg
Classification: Uncertain significance for Retinal dystrophy. Last evaluated: 2023-01-01. Review status: no assertion criteria provided. Criteria: ACMG Guidelines, 2015. Collection method: clinical testing. Allele origin: germline. Affected: yes. Not counted in ClinVar's aggregate classification.

NM_006269.2(RP1):c.809G>C (p.Ser270Thr)

Gene: RP1 (RP1 axonemal microtubule associated; plus strand). Cytogenetic location: 8q12.1.
Variant type: single nucleotide variant.
Coding change: c.809G>C on transcript NM_006269.2 (MANE Select); coding-DNA position 809, G replaced by C.
Protein change: p.Ser270Thr; replaces serine 270 with threonine.
Molecular consequence: missense variant. On other transcripts: intron variant (1).
Genome position (GRCh38, 1-based): chr8:54,624,691, G>C. VCF-style: chr8-54624691-G-C. GRCh37 (hg19) VCF-style: chr8-55537251-G-C.
Other names: c.787+2403G>C (NM_001375654.1); c.809G>C (NM_006269.1); short protein forms S270T.
Identifiers: ClinVar variation 1480193 (VCV001480193.12), dbSNP rs746650875, ClinGen allele CA4751282.
Genomic context (GRCh38, chr8:54,624,691, plus strand): 5'-TTTTGATGTGGGCACCTTTTACTCTTAAAATCTTTAAAGTAAGCACACATATGTCTTCAA[G>C]CTCAAGGTCCCAGATTTATTCTGTTTCTTCTGAGAAAACACATAATAATGATTGCTACTT-3'
Protein context (NP_006260.1, residues 260-280): SRKISTHMSS[Ser270Thr]SRSQIYSVSS